The following is an entry in ClinVar:

ClinVar aggregate classification (germline): Likely benign (0 of 4 stars; one submission).

Conditions:
AFF2-related disorder. Also called: AFF2-related condition.

Allele frequency attached by ClinVar (database versions not stated): gnomAD exomes 0.00002; ExAC 0.00003; TOPMed 0.00003; gnomAD 0.00004; ESP Exome Variant Server 0.00009.
gnomAD v4.1: 29 of 1,209,823 alleles (0.0024%); highest among the groups gnomAD compares: Non-Finnish European, 0.0028%; no homozygotes.

Submission:

PreventionGenetics, part of Exact Sciences
Classification: Likely benign for AFF2-related condition. Last evaluated: 2019-03-05. Review status: no assertion criteria provided. Collection method: clinical testing. Allele origin: germline.
Comment: This variant is classified as likely benign based on ACMG/AMP sequence variant interpretation guidelines (Richards et al. 2015 PMID: 25741868, with internal and published modifications).

NM_002025.4(AFF2):c.891G>A (p.Gln297=)

Gene: AFF2 (ALF transcription elongation factor 2; plus strand). Cytogenetic location: Xq28.
Variant type: single nucleotide variant.
Coding change: c.891G>A on transcript NM_002025.4 (MANE Select); coding-DNA position 891, G replaced by A.
Protein change: p.Gln297=; no amino-acid change (glutamine 297 retained).
Molecular consequence: synonymous variant.
Genome position (GRCh38, 1-based): chrX:148,662,618, G>A. VCF-style: chrX-148662618-G-A. GRCh37 (hg19) VCF-style: chrX-147744139-G-A.
Other names: c.879G>A, p.Gln293= (NM_001169122.2, NM_001169123.2, NM_001169125.2); c.891G>A, p.Gln297= (NM_001169124.2).
Identifiers: ClinVar variation 3047582 (VCV003047582.2), dbSNP rs373944993, ClinGen allele CA10536856.